The following is an entry in ClinVar:

ClinVar aggregate classification (germline): Uncertain significance (1 of 4 stars; one submission).

Submission:

GeneDx
Classification: Uncertain significance. Last evaluated: 2025-07-19. Review status: criteria provided, single submitter. Criteria: GeneDx Variant Classification Process June 2021. Collection method: clinical testing. Allele origin: germline. Affected: yes.
Comment: Not observed at significant frequency in large population cohorts (gnomAD); In silico analysis supports that this missense variant has a deleterious effect on protein structure/function; Has not been previously published as pathogenic or benign to our knowledge

NM_014991.6(WDFY3):c.9416A>G (p.Tyr3139Cys)

Gene: WDFY3 (WD repeat and FYVE domain containing 3; minus strand). Cytogenetic location: 4q21.23.
Variant type: single nucleotide variant.
Coding change: c.9416A>G on transcript NM_014991.6 (MANE Select); coding-DNA position 9416, A replaced by G.
Protein change: p.Tyr3139Cys; replaces tyrosine 3139 with cysteine.
Molecular consequence: missense variant.
Genome position (GRCh38, 1-based): chr4:84,688,213, T>C on the plus strand (A>G on the coding strand, the complement: WDFY3 is on the minus strand). VCF-style: chr4-84688213-T-C. GRCh37 (hg19) VCF-style: chr4-85609366-T-C.
Other names: short protein forms Y3139C.
Identifiers: ClinVar variation 4686095 (VCV004686095.1).